The following is an entry in ClinVar:

ClinVar aggregate classification (germline): Uncertain significance (1 of 4 stars; one submission).

Submission:

GeneDx
Classification: Uncertain significance. Last evaluated: 2021-04-15. Review status: criteria provided, single submitter. Criteria: GeneDx Variant Classification Process June 2021. Collection method: clinical testing. Allele origin: germline. Affected: yes.
Comment: Not observed in large population cohorts (Lek et al., 2016); In silico analysis supports that this missense variant does not alter protein structure/function; Has not been previously published as pathogenic or benign to our knowledge

NM_004380.3(CREBBP):c.6329C>G (p.Ala2110Gly)

Gene: CREBBP (CREB binding protein; minus strand). Cytogenetic location: 16p13.3.
Variant type: single nucleotide variant.
Coding change: c.6329C>G on transcript NM_004380.3 (MANE Select); coding-DNA position 6329, C replaced by G.
Protein change: p.Ala2110Gly; replaces alanine 2110 with glycine.
Molecular consequence: missense variant.
Genome position (GRCh38, 1-based): chr16:3,728,718, G>C on the plus strand (C>G on the coding strand, the complement: CREBBP is on the minus strand). VCF-style: chr16-3728718-G-C. GRCh37 (hg19) VCF-style: chr16-3778719-G-C.
Other names: c.6215C>G, p.Ala2072Gly (NM_001079846.1); short protein forms A2072G, A2110G.
Identifiers: ClinVar variation 1303992 (VCV001303992.2), dbSNP rs1407363475, ClinGen allele CA394553624.